The following is an entry in ClinVar:

NM_006019.4(TCIRG1):c.734C>T (p.Pro245Leu)

Gene: TCIRG1 (T cell immune regulator 1, ATPase H+ transporting V0 subunit a3; plus strand). Cytogenetic location: 11q13.2.
Variant type: single nucleotide variant.
Coding change: c.734C>T on transcript NM_006019.4 (MANE Select); coding-DNA position 734, C replaced by T.
Protein change: p.Pro245Leu; replaces proline 245 with leucine.
Molecular consequence: missense variant. On other transcripts: 5 prime UTR variant (1).
Genome position (GRCh38, 1-based): chr11:68,043,834, C>T. VCF-style: chr11-68043834-C-T. GRCh37 (hg19) VCF-style: chr11-67811301-C-T.
Other names: c.-161C>T (NM_001351059.2); c.86C>T, p.Pro29Leu (NM_006053.4); short protein forms P29L, P245L.
Identifiers: ClinVar variation 2201141 (VCV002201141.3), dbSNP rs550724647, ClinGen allele CA6146805.

ClinVar aggregate classification (germline): Uncertain significance (1 of 4 stars; one submission).

Allele frequency attached by ClinVar (database versions not stated): TOPMed 0.00002.
gnomAD v4.1: 14 of 1,563,146 alleles (0.0009%); highest among the groups gnomAD compares: East Asian, 0.0095%; no homozygotes.

Submission:

Labcorp Genetics (formerly Invitae), Labcorp
Classification: Uncertain significance. Last evaluated: 2024-10-25. Review status: criteria provided, single submitter. Criteria: Invitae Variant Classification Sherloc (09022015). Collection method: clinical testing. Allele origin: germline.
Comment: This sequence change replaces proline, which is neutral and non-polar, with leucine, which is neutral and non-polar, at codon 245 of the TCIRG1 protein (p.Pro245Leu). The frequency data for this variant in the population databases is considered unreliable, as metrics indicate poor data quality at this position in the gnomAD database. This variant has not been reported in the literature in individuals affected with TCIRG1-related conditions. ClinVar contains an entry for this variant (Variation ID: 2201141). Invitae Evidence Modeling of protein sequence and biophysical properties (such as structural, functional, and spatial information, amino acid conservation, physicochemical variation, residue mobility, and thermodynamic stability) indicates that this missense variant is not expected to disrupt TCIRG1 protein function with a negative predictive value of 80%. In summary, the available evidence is currently insufficient to determine the role of this variant in disease. Therefore, it has been classified as a Variant of Uncertain Significance.